The following is an entry in ClinVar:

ClinVar aggregate classification (germline): Uncertain significance (1 of 4 stars; one submission).

gnomAD v4.1: 5 of 1,614,134 alleles (0.00031%); highest among the groups gnomAD compares: African/African-American, 0.0013%; no homozygotes.

Submission:

GeneDx
Classification: Uncertain significance. Last evaluated: 2022-12-05. Review status: criteria provided, single submitter. Criteria: GeneDx Variant Classification Process June 2021. Collection method: clinical testing. Allele origin: germline. Affected: yes.
Comment: Not observed at significant frequency in large population cohorts (gnomAD); In silico analysis supports that this missense variant does not alter protein structure/function; In silico analysis suggests this variant may impact gene splicing. In the absence of RNA/functional studies, the actual effect of this sequence change is unknown.; Has not been previously published as pathogenic or benign to our knowledge

NM_001378964.1(CDON):c.1442G>A (p.Gly481Asp)

Gene: CDON (cell adhesion associated, oncogene regulated; minus strand). Cytogenetic location: 11q24.2.
Variant type: single nucleotide variant.
Coding change: c.1442G>A on transcript NM_001378964.1 (MANE Select); coding-DNA position 1442, G replaced by A.
Protein change: p.Gly481Asp; replaces glycine 481 with aspartic acid.
Molecular consequence: missense variant.
Genome position (GRCh38, 1-based): chr11:126,010,451, C>T on the plus strand (G>A on the coding strand, the complement: CDON is on the minus strand). VCF-style: chr11-126010451-C-T. GRCh37 (hg19) VCF-style: chr11-125880346-C-T.
Other names: c.1442G>A, p.Gly481Asp (NM_016952.6, NM_001243597.3); short protein forms G481D.
Identifiers: ClinVar variation 2504280 (VCV002504280.1), dbSNP rs745982695, ClinGen allele CA383209430.